The following is an entry in ClinVar:

NM_007194.4(CHEK2):c.926_948dup (p.Lys317fs)

Gene: CHEK2 (checkpoint kinase 2; minus strand). Cytogenetic location: 22q12.1.
Variant type: Duplication.
Coding change: c.926_948dup on transcript NM_007194.4 (MANE Select); coding-DNA positions 926 to 948, 23 bases duplicated (TGTTTGACAAAGTGGTGGGGAAT).
Protein change: p.Lys317fs; shifts the reading frame from lysine 317.
Molecular consequence: frameshift variant.
Genome position (GRCh38, 1-based): chr22:28,699,898-28,699,920, ATTCCCCACCACTTTGTCAAACA duplicated on the plus strand (TGTTTGACAAAGTGGTGGGGAAT on the coding strand, the reverse complement: CHEK2 is on the minus strand). VCF-style (leftmost placement, unchanged base first): chr22-28699897-T-TATTCCCCACCACTTTGTCAAACA. GRCh37 (hg19) VCF-style: chr22-29095885-T-TATTCCCCACCACTTTGTCAAACA.
Other names: c.1055_1077dup, p.Lys360fs (NM_001005735.3, NM_001438294.1); c.263_285dup, p.Lys96fs (NM_001257387.3, NM_001437942.1); c.725_747dup, p.Lys250fs (NM_001349956.3); c.1019_1041dup, p.Lys348fs (NM_001438293.1, NM_001438295.1); c.926_948dup, p.Lys317fs (NM_145862.3); short protein forms K250fs, K317fs, K360fs, K348fs, K96fs.
Identifiers: ClinVar variation 4711987 (VCV004711987.1).
Genomic context (GRCh38, chr22:28,699,897, plus strand): 5'-CCTGCACAGCCAAGAGCATCTGGTAAAAATAGAGCTTGCAGGTAGCTTCTTTCAGGCGTT[T>TATTCCCCACCACTTTGTCAAACA]ATTCCCCACCACTTTGTCAAACAGCTCTCCCCCTTCCATCCTGAAACACAAAGGCAAGGC-3'

ClinVar aggregate classification (germline): Pathogenic (1 of 4 stars; one submission).

Conditions:
Familial cancer of breast. Also called: hereditary breast carcinoma; BREAST CANCER, FAMILIAL; Hereditary breast cancer. Identifiers: Orphanet 227535, MedGen C0346153, MONDO:0016419, OMIM 114480. Disease mechanism: loss of function.

Submission:

Labcorp Genetics (formerly Invitae), Labcorp
Classification: Pathogenic for Familial cancer of breast. Last evaluated: 2025-01-29. Review status: criteria provided, single submitter. Criteria: Invitae Variant Classification Sherloc (09022015). Collection method: clinical testing. Allele origin: germline.
Comment: This sequence change creates a premature translational stop signal (p.Lys317Cysfs*11) in the CHEK2 gene. It is expected to result in an absent or disrupted protein product. Loss-of-function variants in CHEK2 are known to be pathogenic (PMID: 21876083, 24713400). This variant is not present in population databases (gnomAD no frequency). This variant has not been reported in the literature in individuals affected with CHEK2-related conditions. For these reasons, this variant has been classified as Pathogenic.

Literature cited by the submitters: PubMed 21876083; PubMed 24713400.